The following is an entry in ClinVar:

NM_206933.4(USH2A):c.9781G>C (p.Val3261Leu)

Gene: USH2A (usherin; minus strand). Cytogenetic location: 1q41.
Variant type: single nucleotide variant.
Coding change: c.9781G>C on transcript NM_206933.4 (MANE Select); coding-DNA position 9781, G replaced by C.
Protein change: p.Val3261Leu; replaces valine 3261 with leucine.
Molecular consequence: missense variant.
Genome position (GRCh38, 1-based): chr1:215,799,084, C>G on the plus strand (G>C on the coding strand, the complement: USH2A is on the minus strand). VCF-style: chr1-215799084-C-G. GRCh37 (hg19) VCF-style: chr1-215972426-C-G.
Other names: short protein forms V3261L.
Identifiers: ClinVar variation 849638 (VCV000849638.11), dbSNP rs1662225737, ClinGen allele CA344849874.

ClinVar aggregate classification (germline): Uncertain significance (1 of 4 stars; one submission).

Allele frequency attached by ClinVar (database versions not stated): TOPMed 0.00001.

Submission:

Labcorp Genetics (formerly Invitae), Labcorp
Classification: Uncertain significance. Last evaluated: 2022-10-18. Review status: criteria provided, single submitter. Criteria: Invitae Variant Classification Sherloc (09022015). Collection method: clinical testing. Allele origin: germline.
Comment: In summary, the available evidence is currently insufficient to determine the role of this variant in disease. Therefore, it has been classified as a Variant of Uncertain Significance. Advanced modeling of protein sequence and biophysical properties (such as structural, functional, and spatial information, amino acid conservation, physicochemical variation, residue mobility, and thermodynamic stability) performed at Invitae indicates that this missense variant is not expected to disrupt USH2A protein function. ClinVar contains an entry for this variant (Variation ID: 849638). This variant has not been reported in the literature in individuals affected with USH2A-related conditions. This variant is not present in population databases (gnomAD no frequency). This sequence change replaces valine, which is neutral and non-polar, with leucine, which is neutral and non-polar, at codon 3261 of the USH2A protein (p.Val3261Leu).